The following is an entry in ClinVar:

NM_006277.3(ITSN2):c.2065G>A (p.Glu689Lys)

Gene: ITSN2 (intersectin 2; minus strand). Cytogenetic location: 2p23.3.
Variant type: single nucleotide variant.
Coding change: c.2065G>A on transcript NM_006277.3 (MANE Select); coding-DNA position 2065, G replaced by A.
Protein change: p.Glu689Lys; replaces glutamic acid 689 with lysine.
Molecular consequence: missense variant.
Genome position (GRCh38, 1-based): chr2:24,275,729, C>T on the plus strand (G>A on the coding strand, the complement: ITSN2 is on the minus strand). VCF-style: chr2-24275729-C-T. GRCh37 (hg19) VCF-style: chr2-24498598-C-T.
Other names: c.2023G>A, p.Glu675Lys (NM_001348181.2); c.1984G>A, p.Glu662Lys (NM_001348182.2, NM_001348183.2, NM_001348186.2 and 1 more transcripts); c.1942G>A, p.Glu648Lys (NM_001348184.2); c.2065G>A, p.Glu689Lys (NM_001348185.2, NM_147152.3); short protein forms E648K, E662K, E675K, E689K.
Identifiers: ClinVar variation 3047161 (VCV003047161.5), dbSNP rs149446996, ClinGen allele CA1551305.
Genomic context (GRCh38, chr2:24,275,729, plus strand): 5'-ATTCTAATGGCAATATAGCACAATAAATATATCAGCTATATTACCTTGCAGCCTCATCTT[C>T]TAGTTTCTTTTTCTGCATTAGTTCTAATCTTTTCCTTTCAATTTCCTTCAACTTGTCACG-3'
Protein context (NP_006268.2, residues 679-699): RLELMQKKKL[Glu689Lys]DEAARKAKQG

ClinVar aggregate classification (germline): Uncertain significance. Review status: criteria provided, multiple submitters, no conflicts (2 of 4 stars). 3 submissions from 3 submitters: Uncertain significance (2). 1 of the submissions does not count toward it. Last evaluated 2025-04-17.

Conditions:
ITSN2-related disorder. Also called: ITSN2-related condition.

Allele frequency attached by ClinVar (database versions not stated): ESP Exome Variant Server 0.00023; gnomAD 0.00023; gnomAD exomes 0.00003; TOPMed 0.00023; ExAC 0.00011.
gnomAD v4.1: 81 of 1,609,758 alleles (0.005%); highest among the groups gnomAD compares: African/African-American, 0.073%; no homozygotes.

Submissions (3):

Labcorp Genetics (formerly Invitae), Labcorp
Classification: Uncertain significance. Last evaluated: 2025-04-17. Review status: criteria provided, single submitter. Criteria: Invitae Variant Classification Sherloc (09022015). Collection method: clinical testing. Allele origin: germline.
Comment: This sequence change replaces glutamic acid, which is acidic and polar, with lysine, which is basic and polar, at codon 689 of the ITSN2 protein (p.Glu689Lys). This variant is present in population databases (rs149446996, gnomAD 0.1%), and has an allele count higher than expected for a pathogenic variant. This variant has not been reported in the literature in individuals affected with ITSN2-related conditions. ClinVar contains an entry for this variant (Variation ID: 3047161). Experimental studies and prediction algorithms are not available or were not evaluated, and the functional significance of this variant is currently unknown. In summary, the available evidence is currently insufficient to determine the role of this variant in disease. Therefore, it has been classified as a Variant of Uncertain Significance.

Ambry Genetics
Classification: Uncertain significance. Last evaluated: 2024-11-10. Review status: criteria provided, single submitter. Criteria: Ambry Variant Classification Scheme 2023. Collection method: clinical testing. Allele origin: germline.

PreventionGenetics, part of Exact Sciences
Classification: Uncertain significance for ITSN2-related condition. Last evaluated: 2024-02-26. Review status: no assertion criteria provided. Collection method: clinical testing. Allele origin: germline. Not counted in ClinVar's aggregate classification.
Comment: The ITSN2 c.2065G>A variant is predicted to result in the amino acid substitution p.Glu689Lys. To our knowledge, this variant has not been reported in the literature. This variant is reported in 0.12% of alleles in individuals of African descent in gnomAD. Although we suspect that this variant may be benign, at this time, the clinical significance of this variant is uncertain due to the absence of conclusive functional and genetic evidence.